The following is an entry in ClinVar:

ClinVar aggregate classification (germline): Likely benign. Review status: criteria provided, multiple submitters, no conflicts (2 of 4 stars). 3 submissions from 3 submitters: Likely benign (2). 1 of the submissions does not count toward it. Last evaluated 2025-12-08.

Conditions:
Congenital lactic acidosis, Saguenay-Lac-Saint-Jean type (MC4DN5). Also called: CYTOCHROME c OXIDASE DEFICIENCY, FRENCH CANADIAN TYPE; COX DEFICIENCY, FRENCH CANADIAN TYPE; MITOCHONDRIAL COMPLEX IV DEFICIENCY, NUCLEAR TYPE 5. Identifiers: Orphanet 70472, MedGen C1857355, MONDO:0009069, OMIM 220111.

Allele frequency attached by ClinVar (database versions not stated): ESP Exome Variant Server 0.00008; TOPMed 0.00014; 1000 Genomes Project 30x 0.00016; gnomAD 0.00017 and 0.00019; 1000 Genomes Project 0.00020.
gnomAD v4.1: 49 of 1,597,670 alleles (0.0031%); highest among the groups gnomAD compares: African/African-American, 0.056%; no homozygotes.

Submissions (3):

Labcorp Genetics (formerly Invitae), Labcorp
Classification: Likely benign. Last evaluated: 2025-12-08. Review status: criteria provided, single submitter. Criteria: Invitae Variant Classification Sherloc (09022015). Collection method: clinical testing. Allele origin: germline.

GeneDx
Classification: Likely benign. Last evaluated: 2016-08-08. Review status: criteria provided, single submitter. Criteria: GeneDx Variant Classification (06012015). Collection method: clinical testing. Allele origin: germline. Affected: yes.
Comment: This variant is considered likely benign or benign based on one or more of the following criteria: it is a conservative change, it occurs at a poorly conserved position in the protein, it is predicted to be benign by multiple in silico algorithms, and/or has population frequency not consistent with disease.

Counsyl
Classification: Likely benign for Congenital lactic acidosis, Saguenay-Lac-Saint-Jean type. Last evaluated: 2017-02-22. Review status: no assertion criteria provided. Collection method: clinical testing. Allele origin: unknown. Not counted in ClinVar's aggregate classification.

NM_133259.4(LRPPRC):c.1649+11C>T

Genes: LRPPRC (leucine rich pentatricopeptide repeat containing; minus strand), LOC129388857 (MPRA-validated peak3685 silencer; plus strand). Cytogenetic location: 2p21.
Variant type: single nucleotide variant.
Coding change: c.1649+11C>T on transcript NM_133259.4 (MANE Select); 11 bases into the intron after coding-DNA position 1649, C replaced by T.
Molecular consequence: intron variant.
Genome position (GRCh38, 1-based): chr2:43,957,374, G>A on the plus strand (C>T on the coding strand, the complement: LRPPRC is on the minus strand). VCF-style: chr2-43957374-G-A. GRCh37 (hg19) VCF-style: chr2-44184513-G-A.
Identifiers: ClinVar variation 387971 (VCV000387971.7), dbSNP rs200115839, ClinGen allele CA1638869.